The following is an entry in ClinVar:

NM_004036.5(ADCY3):c.2742G>A (p.Leu914=)

Gene: ADCY3 (adenylate cyclase 3; minus strand). Cytogenetic location: 2p23.3.
Variant type: single nucleotide variant.
Coding change: c.2742G>A on transcript NM_004036.5 (MANE Select); coding-DNA position 2742, G replaced by A.
Protein change: p.Leu914=; no amino-acid change (leucine 914 retained).
Molecular consequence: synonymous variant. On other transcripts: intron variant (1).
Genome position (GRCh38, 1-based): chr2:24,823,350, C>T on the plus strand (G>A on the coding strand, the complement: ADCY3 is on the minus strand). VCF-style: chr2-24823350-C-T. GRCh37 (hg19) VCF-style: chr2-25046219-C-T.
Other names: c.2745G>A, p.Leu915= (NM_001320613.2); c.2808G>A, p.Leu936= (NM_001377128.1); c.2604G>A, p.Leu868= (NM_001377129.1); c.2019G>A, p.Leu673= (NM_001377131.1); c.2742G>A, p.Leu914= (NM_001377132.1); c.2332-720G>A (NM_001377130.1).
Identifiers: ClinVar variation 3353994 (VCV003353994.1).

ClinVar aggregate classification (germline): Likely benign (0 of 4 stars; one submission).

Conditions:
ADCY3-related disorder. Also called: ADCY3-related condition.

gnomAD v4.1: 3 of 1,611,822 alleles (0.00019%); highest among the groups gnomAD compares: Non-Finnish European, 0.00025%; no homozygotes.

Submission:

PreventionGenetics, part of Exact Sciences
Classification: Likely benign for ADCY3-related condition. Last evaluated: 2019-11-04. Review status: no assertion criteria provided. Collection method: clinical testing. Allele origin: germline.
Comment: This variant is classified as likely benign based on ACMG/AMP sequence variant interpretation guidelines (Richards et al. 2015 PMID: 25741868, with internal and published modifications).